The following is an entry in ClinVar:

ClinVar aggregate classification (germline): Uncertain significance (1 of 4 stars; one submission).

Submission:

GeneDx
Classification: Uncertain significance. Last evaluated: 2023-10-24. Review status: criteria provided, single submitter. Criteria: GeneDx Variant Classification Process June 2021. Collection method: clinical testing. Allele origin: germline. Affected: yes.
Comment: Not observed at significant frequency in large population cohorts (gnomAD); In silico analysis supports that this missense variant has a deleterious effect on protein structure/function; Has not been previously published as pathogenic or benign to our knowledge; Not located in one of the three hot-spot regions of the RYR2 gene, where the majority of pathogenic missense variants occur (Medeiros-Domingo et al., 2009); This variant is associated with the following publications: (PMID: 19926015)

NM_001035.3(RYR2):c.6602G>C (p.Cys2201Ser)

Gene: RYR2 (ryanodine receptor 2; plus strand). Cytogenetic location: 1q43.
Variant type: single nucleotide variant.
Coding change: c.6602G>C on transcript NM_001035.3 (MANE Select); coding-DNA position 6602, G replaced by C.
Protein change: p.Cys2201Ser; replaces cysteine 2201 with serine.
Molecular consequence: missense variant.
Genome position (GRCh38, 1-based): chr1:237,633,624, G>C. VCF-style: chr1-237633624-G-C. GRCh37 (hg19) VCF-style: chr1-237796924-G-C.
Other names: short protein forms C2201S.
Identifiers: ClinVar variation 2662640 (VCV002662640.1), dbSNP rs2546926703, ClinGen allele CA345394053.